The following is an entry in ClinVar:

NM_004260.4(RECQL4):c.2463G>A (p.Gln821=)

Gene: RECQL4 (RecQ like helicase 4; minus strand). Cytogenetic location: 8q24.3.
Variant type: single nucleotide variant.
Coding change: c.2463G>A on transcript NM_004260.4 (MANE Select); coding-DNA position 2463, G replaced by A.
Protein change: p.Gln821=; no amino-acid change (glutamine 821 retained).
Molecular consequence: synonymous variant.
Genome position (GRCh38, 1-based): chr8:144,513,218, C>T on the plus strand (G>A on the coding strand, the complement: RECQL4 is on the minus strand). VCF-style: chr8-144513218-C-T. GRCh37 (hg19) VCF-style: chr8-145738601-C-T.
Identifiers: ClinVar variation 568755 (VCV000568755.7), dbSNP rs1447984125, ClinGen allele CA463566292.

ClinVar aggregate classification (germline): Uncertain significance (1 of 4 stars; one submission).

Conditions:
Baller-Gerold syndrome (BGS). Also called: CRANIOSYNOSTOSIS WITH RADIAL DEFECTS. Identifiers: Orphanet 1225, MedGen C0265308, MONDO:0009039, OMIM 218600.

Allele frequency attached by ClinVar (database versions not stated): gnomAD 0.00001.
gnomAD v4.1: 18 of 1,574,622 alleles (0.0011%); highest among the groups gnomAD compares: Non-Finnish European, 0.0015%; no homozygotes.

Submission:

Labcorp Genetics (formerly Invitae), Labcorp
Classification: Uncertain significance for Baller-Gerold syndrome. Last evaluated: 2022-06-18. Review status: criteria provided, single submitter. Criteria: Invitae Variant Classification Sherloc (09022015). Collection method: clinical testing. Allele origin: germline.
Comment: This sequence change affects codon 821 of the RECQL4 mRNA. It is a 'silent' change, meaning that it does not change the encoded amino acid sequence of the RECQL4 protein. This variant also falls at the last nucleotide of exon 14, which is part of the consensus splice site for this exon. This variant is not present in population databases (gnomAD no frequency). Variants that disrupt the consensus splice site are a relatively common cause of aberrant splicing (PMID: 17576681, 9536098). Algorithms developed to predict the effect of sequence changes on RNA splicing suggest that this variant may disrupt the consensus splice site. In summary, the available evidence is currently insufficient to determine the role of this variant in disease. Therefore, it has been classified as a Variant of Uncertain Significance. ClinVar contains an entry for this variant (Variation ID: 568755). This variant has not been reported in the literature in individuals affected with RECQL4-related conditions.

Literature cited by the submitters: PubMed 17576681; PubMed 9536098.